The following is an entry in ClinVar:

ClinVar aggregate classification (germline): Uncertain significance (1 of 4 stars; one submission).

gnomAD v4.1: 1 of 1,614,010 alleles (0.000062%); highest among the groups gnomAD compares: Non-Finnish European, 0.000085%; no homozygotes.

Submission:

ARUP Laboratories, Molecular Genetics and Genomics, ARUP Laboratories
Classification: Uncertain significance. Last evaluated: 2025-03-28. Review status: criteria provided, single submitter. Criteria: ARUP Molecular Germline Variant Investigation Process 2024. Collection method: clinical testing. Allele origin: germline.
Comment: The HK1 c.2135T>C; p.Phe712Ser variant, to our knowledge, is not reported in the medical literature or gene specific databases. This variant is also absent from the Genome Aggregation Database (v2.1.1), indicating it is not a common polymorphism. Computational analyses predict that this variant is deleterious (REVEL: 0.984). However, given the lack of clinical and functional data, the significance of this variant is uncertain at this time.

NM_000188.3(HK1):c.2135T>C (p.Phe712Ser)

Gene: HK1 (hexokinase 1; plus strand). Cytogenetic location: 10q22.1.
Variant type: single nucleotide variant.
Coding change: c.2135T>C on transcript NM_000188.3 (MANE Select); coding-DNA position 2135, T replaced by C.
Protein change: p.Phe712Ser; replaces phenylalanine 712 with serine.
Molecular consequence: missense variant. On other transcripts: non-coding transcript variant (1).
Genome position (GRCh38, 1-based): chr10:69,392,224, T>C. VCF-style: chr10-69392224-T-C. GRCh37 (hg19) VCF-style: chr10-71151980-T-C.
Other names: c.2093T>C, p.Phe698Ser (NM_001441142.1); c.2051T>C, p.Phe684Ser (NM_001441143.1, NM_001322366.1); c.2015T>C, p.Phe672Ser (NM_001441144.1, NM_001441145.1); c.2135T>C, p.Phe712Ser (NM_001441146.1, NM_001441148.1, NM_001441141.1); c.1913T>C, p.Phe638Ser (NM_001441147.1); c.1769T>C, p.Phe590Ser (NM_001441149.1); c.1745T>C, p.Phe582Ser (NM_001441150.1); c.1496T>C, p.Phe499Ser (NM_001441151.1); and 8 more; short protein forms F376S, F474S, F499S, F582S, F590S, F638S, F672S, F680S.
Identifiers: ClinVar variation 4685717 (VCV004685717.1).